The following is an entry in ClinVar:

ClinVar aggregate classification (germline): Uncertain significance (1 of 4 stars; one submission).

Allele frequency attached by ClinVar (database versions not stated): TOPMed below 0.00001.
gnomAD v4.1: 3 of 1,614,150 alleles (0.00019%); highest among the groups gnomAD compares: Non-Finnish European, 0.00025%; no homozygotes.

Submission:

Ambry Genetics
Classification: Uncertain significance. Last evaluated: 2023-02-24. Review status: criteria provided, single submitter. Criteria: Ambry Variant Classification Scheme 2023. Collection method: clinical testing. Allele origin: germline.
Comment: The p.E736D variant (also known as c.2208A>C), located in coding exon 21 of the KIF1B gene, results from an A to C substitution at nucleotide position 2208. The glutamic acid at codon 736 is replaced by aspartic acid, an amino acid with highly similar properties. This amino acid position is highly conserved in available vertebrate species. In addition, the in silico prediction for this alteration is inconclusive. Since supporting evidence is limited at this time, the clinical significance of this alteration remains unclear.

NM_001365951.3(KIF1B):c.2346A>C (p.Glu782Asp)

Gene: KIF1B (kinesin family member 1B; plus strand). Cytogenetic location: 1p36.22.
Variant type: single nucleotide variant.
Coding change: c.2346A>C on transcript NM_001365951.3 (MANE Select); coding-DNA position 2346, A replaced by C.
Protein change: p.Glu782Asp; replaces glutamic acid 782 with aspartic acid.
Molecular consequence: missense variant.
Genome position (GRCh38, 1-based): chr1:10,321,845, A>C. VCF-style: chr1-10321845-A-C. GRCh37 (hg19) VCF-style: chr1-10381903-A-C.
Other names: c.2346A>C, p.Glu782Asp (NM_001365952.1); c.2208A>C, p.Glu736Asp (NM_015074.3); short protein forms E736D, E782D.
Identifiers: ClinVar variation 1787709 (VCV001787709.3), dbSNP rs760313336, ClinGen allele CA338333295.